The following is an entry in ClinVar:

ClinVar aggregate classification (germline): Uncertain significance (1 of 4 stars; one submission).

Allele frequency attached by ClinVar (database versions not stated): gnomAD exomes below 0.00001; ExAC 0.00001.
gnomAD v4.1: 3 of 1,613,968 alleles (0.00019%); highest among the groups gnomAD compares: Admixed American, 0.0017%; no homozygotes.

Submission:

Labcorp Genetics (formerly Invitae), Labcorp
Classification: Uncertain significance. Last evaluated: 2021-06-08. Review status: criteria provided, single submitter. Criteria: Invitae Variant Classification Sherloc (09022015). Collection method: clinical testing. Allele origin: germline.
Comment: This sequence change creates a premature translational stop signal (p.Arg236*) in the VPS4A gene. It is expected to result in an absent or disrupted protein product. However, the current clinical and genetic evidence is not sufficient to establish whether loss-of-function variants in VPS4A cause disease. This variant is present in population databases (rs759163393, ExAC 0.009%). This variant has not been reported in the literature in individuals with VPS4A-related conditions. In summary, the available evidence is currently insufficient to determine the role of this variant in disease. Therefore, it has been classified as a Variant of Uncertain Significance.

NM_013245.3(VPS4A):c.706C>T (p.Arg236Ter)

Gene: VPS4A (vacuolar protein sorting 4 homolog A; plus strand). Cytogenetic location: 16q22.1.
Variant type: single nucleotide variant.
Coding change: c.706C>T on transcript NM_013245.3 (MANE Select); coding-DNA position 706, C replaced by T.
Protein change: p.Arg236Ter; replaces arginine 236 with a stop codon.
Molecular consequence: nonsense.
Genome position (GRCh38, 1-based): chr16:69,320,226, C>T. VCF-style: chr16-69320226-C-T. GRCh37 (hg19) VCF-style: chr16-69354129-C-T.
Other names: short protein forms R236*.
Identifiers: ClinVar variation 1397484 (VCV001397484.6), dbSNP rs759163393, ClinGen allele CA8133219.